The following is an entry in ClinVar:

ClinVar aggregate classification (germline): Uncertain significance (1 of 4 stars; one submission).

Conditions:
Hereditary cancer-predisposing syndrome. Also called: Hereditary Cancer Syndrome; Tumor predisposition; Hereditary neoplastic syndrome; Neoplastic Syndromes, Hereditary. Identifiers: Orphanet 140162, MedGen C0027672, MeSH D009386, MONDO:0015356.

Submission:

Ambry Genetics
Classification: Uncertain significance for Hereditary cancer-predisposing syndrome. Last evaluated: 2024-11-23. Review status: criteria provided, single submitter. Criteria: Ambry Variant Classification Scheme 2023. Collection method: clinical testing. Allele origin: germline.
Comment: The p.I371L variant (also known as c.1111A>C), located in coding exon 7 of the MSH3 gene, results from an A to C substitution at nucleotide position 1111. The isoleucine at codon 371 is replaced by leucine, an amino acid with highly similar properties. This amino acid position is conserved. In addition, the in silico prediction for this alteration is inconclusive. Based on the available evidence, the clinical significance of this variant remains unclear.

NM_002439.5(MSH3):c.1111A>C (p.Ile371Leu)

Gene: MSH3 (mutS homolog 3; plus strand). Cytogenetic location: 5q14.1.
Variant type: single nucleotide variant.
Coding change: c.1111A>C on transcript NM_002439.5 (MANE Select); coding-DNA position 1111, A replaced by C.
Protein change: p.Ile371Leu; replaces isoleucine 371 with leucine.
Molecular consequence: missense variant.
Genome position (GRCh38, 1-based): chr5:80,675,066, A>C. VCF-style: chr5-80675066-A-C. GRCh37 (hg19) VCF-style: chr5-79970885-A-C.
Other names: short protein forms I371L.
Identifiers: ClinVar variation 3398776 (VCV003398776.1).